The following is an entry in ClinVar:

NM_000256.3(MYBPC3):c.927-3C>G

Gene: MYBPC3 (myosin binding protein C3; minus strand). Cytogenetic location: 11p11.2.
Variant type: single nucleotide variant.
Coding change: c.927-3C>G on transcript NM_000256.3 (MANE Select); 3 bases into the intron before coding-DNA position 927, C replaced by G.
Molecular consequence: intron variant.
Genome position (GRCh38, 1-based): chr11:47,346,373, G>C on the plus strand (C>G on the coding strand, the complement: MYBPC3 is on the minus strand). VCF-style: chr11-47346373-G-C. GRCh37 (hg19) VCF-style: chr11-47367924-G-C.
Identifiers: ClinVar variation 2126883 (VCV002126883.4), dbSNP rs777718305, ClinGen allele CA2580084176.
Genomic context (GRCh38, chr11:47,346,373, plus strand): 5'-TGCCTGCCGTAGGATCTCCCACACGTCCTCCTCTGCTGGTGCCTCCAGCTTCGAGTCCCT[G>C]TGTCCCGCAGTCTAGGCTGTGGCCGGGGGCAAGACTGCAGCCCCCTGGGCGGGGCTTCCT-3'

ClinVar aggregate classification (germline): Uncertain significance (1 of 4 stars; one submission).

Conditions:
Hypertrophic cardiomyopathy. Also called: HYPERTROPHIC MYOCARDIOPATHY. Identifiers: Orphanet 217569, MedGen C0007194, MeSH D002312, MONDO:0005045, HP:0001639.

Submission:

Labcorp Genetics (formerly Invitae), Labcorp
Classification: Uncertain significance for Hypertrophic cardiomyopathy. Last evaluated: 2022-04-16. Review status: criteria provided, single submitter. Criteria: Invitae Variant Classification Sherloc (09022015). Collection method: clinical testing. Allele origin: germline.
Comment: In summary, the available evidence is currently insufficient to determine the role of this variant in disease. Therefore, it has been classified as a Variant of Uncertain Significance. Variants that disrupt the consensus splice site are a relatively common cause of aberrant splicing (PMID: 17576681, 9536098). Algorithms developed to predict the effect of sequence changes on RNA splicing suggest that this variant may disrupt the consensus splice site. This variant has not been reported in the literature in individuals affected with MYBPC3-related conditions. This variant is not present in population databases (gnomAD no frequency). This sequence change falls in intron 11 of the MYBPC3 gene. It does not directly change the encoded amino acid sequence of the MYBPC3 protein. It affects a nucleotide within the consensus splice site.

Literature cited by the submitters: PubMed 17576681; PubMed 9536098.